The following is an entry in ClinVar:

NM_000321.3(RB1):c.54_79dup (p.Pro27fs)

Gene: RB1 (RB transcriptional corepressor 1; plus strand). Cytogenetic location: 13q14.2.
Variant type: Duplication.
Coding change: c.54_79dup on transcript NM_000321.3 (MANE Select); coding-DNA positions 54 to 79, 26 bases duplicated (GGAACCCCCGGCACCGCCGCCGCCGC).
Protein change: p.Pro27fs; shifts the reading frame from proline 27.
Molecular consequence: frameshift variant.
Genome position (GRCh38, 1-based): chr13:48,303,966-48,303,991, GGAACCCCCGGCACCGCCGCCGCCGC duplicated; duplicating any 26 consecutive bases within chr13:48,303,958-48,303,991 gives the same sequence; the c. name uses the placement nearest the transcript's 3' end. VCF-style (leftmost placement, unchanged base first): chr13-48303957-T-TGCCGCCGCGGAACCCCCGGCACCGCC. GRCh37 (hg19) VCF-style: chr13-48878093-T-TGCCGCCGCGGAACCCCCGGCACCGCC.
Other names: c.54_79dup, p.Pro27Argfs (NM_001407165.1, NM_001407166.1, NM_001407167.1); c.54_79dupGGAACCCCCGGCACCGCCGCCGCCGC (NM_000321.2); short protein forms P27fs.
Identifiers: ClinVar variation 1747311 (VCV001747311.3), dbSNP rs727504120, ClinGen allele CA2580087721.
Genomic context (GRCh38, chr13:48,303,957, plus strand): 5'-GCCGCGGAAAGGCGTCATGCCGCCCAAAACCCCCCGAAAAACGGCCGCCACCGCCGCCGC[T>TGCCGCCGCGGAACCCCCGGCACCGCC]GCCGCCGCGGAACCCCCGGCACCGCCGCCGCCGCCCCCTCCTGAGGAGGACCCAGAGCAG-3'

ClinVar aggregate classification (germline): Pathogenic (1 of 4 stars; one submission).

Conditions:
Hereditary cancer-predisposing syndrome. Also called: Hereditary Cancer Syndrome; Neoplastic Syndromes, Hereditary; Tumor predisposition; Hereditary neoplastic syndrome. Identifiers: Orphanet 140162, MedGen C0027672, MeSH D009386, MONDO:0015356.

Submission:

Ambry Genetics
Classification: Pathogenic for Hereditary cancer-predisposing syndrome. Last evaluated: 2025-01-29. Review status: criteria provided, single submitter. Criteria: Ambry Variant Classification Scheme 2023. Collection method: clinical testing. Allele origin: germline.
Comment: The c.54_79dup26 variant, located in coding exon 1 of the RB1 gene, results from a duplication of GGAACCCCCGGCACCGCCGCCGCCGC at nucleotide positions 54 to 79, causing a translational frameshift with a predicted alternate stop codon (p.P27Rfs*47). This variant is considered to be rare based on population cohorts in the Genome Aggregation Database (gnomAD). This alteration is expected to result in loss of function by premature protein truncation or nonsense-mediated mRNA decay. As such, this alteration is interpreted as a disease-causing mutation.